The following is an entry in ClinVar:

NM_015335.5(MED13L):c.1708_1709del (p.Ser570fs)

Gene: MED13L (mediator complex subunit 13L; minus strand). Cytogenetic location: 12q24.21.
Variant type: Microsatellite.
Coding change: c.1708_1709del on transcript NM_015335.5 (MANE Select); coding-DNA positions 1708 to 1709, 2 bases deleted (AG; older notation c.1708_1709delAG).
Protein change: p.Ser570fs; shifts the reading frame from serine 570.
Molecular consequence: frameshift variant.
Genome position (GRCh38, 1-based): chr12:116,008,704-116,008,705, CT deleted on the plus strand (AG on the coding strand, the reverse complement: MED13L is on the minus strand); deleting any 2 consecutive bases within chr12:116,008,704-116,008,709 gives the same sequence; the c. name uses the placement nearest the transcript's 3' end. VCF-style (leftmost placement, unchanged base first): chr12-116008703-ACT-A. GRCh37 (hg19) VCF-style: chr12-116446508-ACT-A.
Other names: c.1708_1709del (NM_015335.4); short protein forms S570fs.
Identifiers: ClinVar variation 221555 (VCV000221555.8), dbSNP rs869025286, ClinGen allele CA351557.

ClinVar aggregate classification (germline): Pathogenic. Review status: criteria provided, multiple submitters, no conflicts (2 of 4 stars). 4 submissions from 4 submitters: Pathogenic (3). 1 of the submissions does not count toward it. Last evaluated 2021-10-02.

Conditions:
Cardiac anomalies - developmental delay - facial dysmorphism syndrome (MRFACD). Also called: Impaired intellectual development and distinctive facial features with or without cardiac defects; MED13L Syndrome. Identifiers: Orphanet 369891, MedGen C5192431, MONDO:0014773, OMIM 616789.
Intellectual disability. Also called: Intellectual functioning disability; Intellectual developmental disorder; intellectual disabilities. Identifiers: MedGen C3714756, MeSH D008607, MONDO:0001071, HP:0001249.

Submissions (4):

3billion
Classification: Pathogenic for Cardiac anomalies - developmental delay - facial dysmorphism syndrome. Last evaluated: 2021-10-02. Review status: criteria provided, single submitter. Criteria: ACMG Guidelines, 2015. Collection method: clinical testing. Allele origin: unknown. Affected: yes. Observed: 1 heterozygote.
Comment: Frameshift: predicted to result in a loss or disruption of normal protein function through nonsense-mediated decay (NMD) or protein truncation. Multiple pathogenic variants are reported downstream of the variant (PVS1_VS). It is not observed in the gnomAD v2.1.1 dataset (PM2). The variant has been reported as de novoo in similarly affected individuals (PMID: 29595814, 25969726, 25356899, PS42 and PS4_M). Therefore, this variant is classified as pathogenic according to the recommendation of ACMG/AMP guideline.

Diagnostic Laboratory, Strasbourg University Hospital
Classification: Pathogenic for Intellectual disability. Last evaluated: 2020-04-20. Review status: criteria provided, single submitter. Criteria: ACMG Guidelines, 2015. Collection method: clinical testing. Allele origin: de novo. Inheritance: Autosomal dominant inheritance. Affected: yes. Observed: 1 heterozygote.

GeneDx
Classification: Pathogenic. Last evaluated: 2019-04-23. Review status: criteria provided, single submitter. Criteria: GeneDx Variant Classification Process June 2021. Collection method: clinical testing. Allele origin: germline. Affected: yes.
Comment: Not observed in large population cohorts (Lek et al., 2016); Frameshift variant predicted to result in protein truncation or nonsense mediated decay in a gene for which loss-of-function is a known mechanism of disease; This variant is associated with the following publications: (PMID: 25969726, 29511999, 29595814, 28645799, 25356899)

OMIM
Classification: Pathogenic for IMPAIRED INTELLECTUAL DEVELOPMENT AND DISTINCTIVE FACIAL FEATURES WITHOUT CARDIAC DEFECTS. Last evaluated: 2014-10-01. Review status: no assertion criteria provided. Collection method: literature only. Allele origin: germline. Not counted in ClinVar's aggregate classification.

Literature cited by the submitters: PubMed 29595814 (cited by 3billion); PubMed 25969726 (cited by 3billion); PubMed 25356899 (cited by 3billion and OMIM).